The following is an entry in ClinVar:

ClinVar aggregate classification (germline): Conflicting classifications of pathogenicity. Review status: criteria provided, conflicting classifications (1 of 4 stars). 3 submissions from 3 submitters: Uncertain significance (2); Likely benign (1). Last evaluated 2026-02-16.

Conditions:
SCN9A-related disorder. Also called: SCN9A-related disorders; SCN9A-related condition.
Neuropathy, hereditary sensory and autonomic, type 2A (HSAN2A). Also called: ACROOSTEOLYSIS, GIACCAI TYPE; ACROOSTEOLYSIS, NEUROGENIC; WNK1-Related HSAN2 (HSAN2A); MORVAN DISEASE; NEUROPATHY, CONGENITAL SENSORY; NEUROPATHY, HEREDITARY SENSORY RADICULAR, AUTOSOMAL RECESSIVE. Identifiers: Orphanet 970, MedGen C2752089, MONDO:0024309, OMIM 201300.
Generalized epilepsy with febrile seizures plus, type 7 (GEFSP7). Also called: GEFS+, TYPE 7. Identifiers: Orphanet 36387, MedGen C2751778, MONDO:0013470, OMIM 613863.

Allele frequency attached by ClinVar (database versions not stated): gnomAD 0.00001; TOPMed 0.00002; gnomAD exomes 0.00003 and 0.00008; ExAC 0.00007.
gnomAD v4.1: 20 of 1,612,430 alleles (0.0012%); highest among the groups gnomAD compares: Admixed American, 0.032%; no homozygotes.

Submissions (3):

Women's Health and Genetics/Laboratory Corporation of America, LabCorp
Classification: Uncertain significance. Last evaluated: 2026-02-16. Review status: criteria provided, single submitter. Criteria: LabCorp Variant Classification Summary - May 2015. Collection method: clinical testing. Allele origin: germline.
Comment: Variant summary: SCN9A c.3434C>T (p.Thr1145Ile) results in a non-conservative amino acid change in the encoded protein sequence. Algorithms developed to predict the effect of missense changes on protein structure and function all suggest that this variant is likely to be disruptive. The variant allele was found at a frequency of 7.7e-05 in 248200 control chromosomes. This frequency is not significantly higher than estimated for disease-causing variants in SCN9A, allowing no conclusion about variant significance. To our knowledge, no occurrence of c.3434C>T in individuals affected with SCN9A-related conditions and no experimental evidence demonstrating its impact on protein function have been reported. ClinVar contains an entry for this variant (Variation ID: 408573). Based on the evidence outlined above, the variant was classified as uncertain significance.

PreventionGenetics, part of Exact Sciences
Classification: Uncertain significance for SCN9A-related condition. Last evaluated: 2025-12-16. Review status: criteria provided, single submitter. Criteria: ACMG Guidelines, 2015. Collection method: clinical testing. Allele origin: germline.
Comment: The SCN9A c.3434C>T variant is predicted to result in the amino acid substitution p.Thr1145Ile. To our knowledge, this variant has not been reported in the literature. This variant is reported in 0.055% of alleles in individuals of Latino descent in gnomAD. Although we suspect that this variant may be benign, at this time, the clinical significance of this variant is uncertain due to the absence of conclusive functional and genetic evidence.

Labcorp Genetics (formerly Invitae), Labcorp
Classification: Likely benign for Neuropathy, hereditary sensory and autonomic, type 2A; Generalized epilepsy with febrile seizures plus, type 7. Last evaluated: 2025-11-12. Review status: criteria provided, single submitter. Criteria: Invitae Variant Classification Sherloc (09022015). Collection method: clinical testing. Allele origin: germline.

NM_001365536.1(SCN9A):c.3467C>T (p.Thr1156Ile)

Genes: SCN1A-AS1 (SCN1A and SCN9A antisense RNA 1; plus strand), SCN9A (sodium voltage-gated channel alpha subunit 9; minus strand). Cytogenetic location: 2q24.3.
Variant type: single nucleotide variant.
Coding change: c.3467C>T on transcript NM_001365536.1 (MANE Select); coding-DNA position 3467, C replaced by T.
Protein change: p.Thr1156Ile; replaces threonine 1156 with isoleucine.
Molecular consequence: missense variant.
Genome position (GRCh38, 1-based): chr2:166,251,770, G>A on the plus strand (C>T on the coding strand, the complement: SCN9A is on the minus strand). VCF-style: chr2-166251770-G-A. GRCh37 (hg19) VCF-style: chr2-167108280-G-A.
Other names: c.3434C>T, p.Thr1145Ile (NM_002977.4); short protein forms T1145I, T1156I.
Identifiers: ClinVar variation 408573 (VCV000408573.13), dbSNP rs765515813, ClinGen allele CA1944054.
Genomic context (GRCh38, chr2:166,251,770, plus strand): 5'-AAACCCCAGAACACTAATTAAGGAATGCTAACCAAGGTCTCAATTTTTGTCTTACCATCT[G>A]TGAAACAGGCCTCTGGCTCATCGGAATTCATAGGTTCAGCCTCTGCTTCTTCTCCTTCTC-3'
Protein context (NP_001352465.1, residues 1146-1166): MNSDEPEACF[Thr1156Ile]DGCVWRFSCC